The following is an entry in ClinVar:

ClinVar aggregate classification (germline): Uncertain significance (1 of 4 stars; one submission).

Conditions:
Early-infantile DEE. Also called: Ohtahara syndrome; Early infantile epileptic encephalopathy with suppression bursts; Early infantile epileptic encephalopathy. Identifiers: Orphanet 1934, MedGen C0393706, MONDO:0800491.

Allele frequency attached by ClinVar (database versions not stated): TOPMed 0.00001.

Submission:

Labcorp Genetics (formerly Invitae), Labcorp
Classification: Uncertain significance for Early-infantile DEE. Last evaluated: 2020-02-06. Review status: criteria provided, single submitter. Criteria: Invitae Variant Classification Sherloc (09022015). Collection method: clinical testing. Allele origin: germline.
Comment: The frequency data for this variant in the population databases is considered unreliable, as metrics indicate insufficient coverage at this position in the ExAC database. In summary, the available evidence is currently insufficient to determine the role of this variant in disease. Therefore, it has been classified as a Variant of Uncertain Significance. Algorithms developed to predict the effect of missense changes on protein structure and function output the following: SIFT: "Tolerated"; PolyPhen-2: "Not Available"; Align-GVGD: "Class C0". The tryptophan amino acid residue is found in multiple mammalian species, suggesting that this missense change does not adversely affect protein function. These predictions have not been confirmed by published functional studies and their clinical significance is uncertain. This variant has not been reported in the literature in individuals with CACNA2D2-related conditions. This sequence change replaces arginine with tryptophan at codon 12 of the CACNA2D2 protein (p.Arg12Trp). The arginine residue is weakly conserved and there is a moderate physicochemical difference between arginine and tryptophan.

NM_006030.4(CACNA2D2):c.34C>T (p.Arg12Trp)

Gene: CACNA2D2 (calcium voltage-gated channel auxiliary subunit alpha2delta 2; minus strand). Cytogenetic location: 3p21.31.
Variant type: single nucleotide variant.
Coding change: c.34C>T on transcript NM_006030.4 (MANE Select); coding-DNA position 34, C replaced by T.
Protein change: p.Arg12Trp; replaces arginine 12 with tryptophan.
Molecular consequence: missense variant. On other transcripts: intron variant (1).
Genome position (GRCh38, 1-based): chr3:50,503,390, G>A on the plus strand (C>T on the coding strand, the complement: CACNA2D2 is on the minus strand). VCF-style: chr3-50503390-G-A. GRCh37 (hg19) VCF-style: chr3-50540821-G-A.
Other names: c.34C>T, p.Arg12Trp (NM_001005505.3, NM_001174051.3); c.-2+679C>T (NM_001291101.1); short protein forms R12W.
Identifiers: ClinVar variation 1017036 (VCV001017036.6), dbSNP rs1274971927, ClinGen allele CA353000509.